The following is an entry in ClinVar:

NM_024409.4(NPPC):c.-15G>C

Gene: NPPC (natriuretic peptide C; minus strand). Cytogenetic location: 2q37.1.
Variant type: single nucleotide variant.
Coding change: c.-15G>C on transcript NM_024409.4 (MANE Select); 15 bases upstream of the start codon, G replaced by C.
Molecular consequence: 5 prime UTR variant.
Genome position (GRCh38, 1-based): chr2:231,926,264, C>G on the plus strand (G>C on the coding strand, the complement: NPPC is on the minus strand). VCF-style: chr2-231926264-C-G. GRCh37 (hg19) VCF-style: chr2-232790974-C-G.
Identifiers: ClinVar variation 4887528 (VCV004887528.1).

ClinVar aggregate classification (germline): Benign (1 of 4 stars; one submission).

Submission:

Women's Health and Genetics/Laboratory Corporation of America, LabCorp
Classification: Benign. Last evaluated: 2026-06-04. Review status: criteria provided, single submitter. Criteria: LabCorp Variant Classification Summary - May 2015. Collection method: clinical testing. Allele origin: germline.
Comment: Variant summary: NPPC c.-15G>C is located in the untranslated mRNA region upstream of the initiation codon. The variant allele was found at a frequency of 0.0004 in 1280488 control chromosomes, predominantly at a frequency of 0.0069 within the African or African-American subpopulation in the gnomAD database, including 1 homozygote. The observed variant frequency within African or African-American control individuals in the gnomAD database exceeds the estimated maximal expected allele frequency for disease-causing variants in NPPC. To our knowledge, no occurrence of c.-15G>C in individuals affected with NPPC-related conditions and no experimental evidence demonstrating its impact on protein function have been reported. No submitters have cited clinical-significance assessments for this variant to ClinVar. Based on the evidence outlined above, the variant was classified as benign.